The following is an entry in ClinVar:

ClinVar aggregate classification (germline): Pathogenic. Review status: criteria provided, multiple submitters, no conflicts (2 of 4 stars). 3 submissions from 3 submitters: Pathogenic (3). Last evaluated 2024-04-15.

Conditions:
Capillary malformation-arteriovenous malformation syndrome. Also called: Capillary malformation-arteriovenous malformation. Identifiers: Orphanet 137667, MedGen C1842180, MONDO:0012016.

Submissions (3):

Labcorp Genetics (formerly Invitae), Labcorp
Classification: Pathogenic for Capillary malformation-arteriovenous malformation syndrome. Last evaluated: 2024-04-15. Review status: criteria provided, single submitter. Criteria: Invitae Variant Classification Sherloc (09022015). Collection method: clinical testing. Allele origin: germline.
Comment: This sequence change affects a donor splice site in intron 23 of the RASA1 gene. It is expected to disrupt RNA splicing. Variants that disrupt the donor or acceptor splice site typically lead to a loss of protein function (PMID: 16199547), and loss-of-function variants in RASA1 are known to be pathogenic (PMID: 24038909). This variant is not present in population databases (gnomAD no frequency). Disruption of this splice site has been observed in individuals with clinical features of RASA1-related conditions (PMID: 29891884, 31230861; Invitae). ClinVar contains an entry for this variant (Variation ID: 1012514). Algorithms developed to predict the effect of sequence changes on RNA splicing suggest that this variant may disrupt the consensus splice site. For these reasons, this variant has been classified as Pathogenic.

ARUP Laboratories, Molecular Genetics and Genomics, ARUP Laboratories
Classification: Pathogenic. Last evaluated: 2021-01-27. Review status: criteria provided, single submitter. Criteria: ARUP Molecular Germline Variant Investigation Process 2021. Collection method: clinical testing. Allele origin: germline.
Comment: The RASA1 c.2925+1G>T variant is reported in the literature in several individuals affected with capillary malformation-arteriovenous malformation (Wooderchak-Donahue 2018 and Moteki 2019). This variant is also absent from general population databases (Exome Variant Server, Genome Aggregation Database), indicating it is not a common polymorphism. This variant disrupts the canonical splice donor site of intron 23, which has been shown to create multiple truncated transcripts that skip exon 23 or use alternate splice sites (Moteki 2019). Based on available information, this variant is considered to be pathogenic.

CeGaT Center for Human Genetics Tuebingen
Classification: Pathogenic. Last evaluated: 2020-10-01. Review status: criteria provided, single submitter. Criteria: CeGaT Center For Human Genetics Tuebingen Variant Classification Criteria Version 2. Collection method: clinical testing. Allele origin: germline. Affected: yes. Observed: 2 variant alleles.

Literature cited by the submitters: PubMed 16199547 (cited by Labcorp Genetics (formerly Invitae), Labcorp); PubMed 24038909 (cited by Labcorp Genetics (formerly Invitae), Labcorp); PubMed 29891884 (cited by Labcorp Genetics (formerly Invitae), Labcorp); PubMed 31230861 (cited by Labcorp Genetics (formerly Invitae), Labcorp).

NM_002890.3(RASA1):c.2925+1G>T

Genes: CCNH (cyclin H; minus strand), RASA1 (RAS p21 protein activator 1; plus strand). Cytogenetic location: 5q14.3.
Variant type: single nucleotide variant.
Coding change: c.2925+1G>T on transcript NM_002890.3 (MANE Select); the canonical splice donor site of the intron after coding-DNA position 2925, G replaced by T.
Molecular consequence: splice donor variant. On other transcripts: intron variant (1).
Genome position (GRCh38, 1-based): chr5:87,386,904, G>T. VCF-style: chr5-87386904-G-T. GRCh37 (hg19) VCF-style: chr5-86682721-G-T.
Other names: c.2394+1G>T (NM_022650.3); c.933+8140C>A (NM_001364075.2).
Identifiers: ClinVar variation 1012514 (VCV001012514.44), dbSNP rs1762099168, ClinGen allele CA360387203.